The following is an entry in ClinVar:

NM_001376.5(DYNC1H1):c.962-4A>G

Gene: DYNC1H1 (dynein cytoplasmic 1 heavy chain 1; plus strand). Cytogenetic location: 14q32.31.
Variant type: single nucleotide variant.
Coding change: c.962-4A>G on transcript NM_001376.5 (MANE Select); 4 bases into the intron before coding-DNA position 962, A replaced by G.
Molecular consequence: intron variant.
Genome position (GRCh38, 1-based): chr14:101,983,015, A>G. VCF-style: chr14-101983015-A-G. GRCh37 (hg19) VCF-style: chr14-102449352-A-G.
Identifiers: ClinVar variation 1301521 (VCV001301521.5), dbSNP rs1160682080, ClinGen allele CA616579786.

ClinVar aggregate classification (germline): Conflicting classifications of pathogenicity. Review status: criteria provided, conflicting classifications (1 of 4 stars). 3 submissions from 3 submitters: Uncertain significance (2); Likely benign (1). Last evaluated 2025-03-23.

Conditions:
Charcot-Marie-Tooth disease axonal type 2O. Also called: Charcot-Marie-Tooth Neuropathy Type 2O; Charcot-Marie-Tooth disease, axonal, type 20; CHARCOT-MARIE-TOOTH NEUROPATHY, AXONAL, TYPE 2O; CHARCOT-MARIE-TOOTH DISEASE, AXONAL, AUTOSOMAL DOMINANT, TYPE 2O. Identifiers: Orphanet 284232, MedGen C3280220, MONDO:0013644, OMIM 614228.

Allele frequency attached by ClinVar (database versions not stated): gnomAD exomes below 0.00001 and 0.00001; gnomAD 0.00001; TOPMed 0.00001.
gnomAD v4.1: 9 of 1,614,028 alleles (0.00056%); highest among the groups gnomAD compares: African/African-American, 0.0067%; no homozygotes.

Submissions (3):

Labcorp Genetics (formerly Invitae), Labcorp
Classification: Likely benign for Charcot-Marie-Tooth disease axonal type 2O. Last evaluated: 2025-03-23. Review status: criteria provided, single submitter. Criteria: Invitae Variant Classification Sherloc (09022015). Collection method: clinical testing. Allele origin: germline.

Blueprint Genetics
Classification: Uncertain significance. Last evaluated: 2023-07-28. Review status: criteria provided, single submitter. Criteria: ACMG Guidelines, 2015. Collection method: clinical testing. Allele origin: germline.

GeneDx
Classification: Uncertain significance. Last evaluated: 2021-10-05. Review status: criteria provided, single submitter. Criteria: GeneDx Variant Classification Process June 2021. Collection method: clinical testing. Allele origin: germline. Affected: yes.
Comment: Has not been previously published as pathogenic or benign to our knowledge; In silico analysis, which includes splice predictors and evolutionary conservation, suggests this variant may impact gene splicing. In the absence of RNA/functional studies, the actual effect of this sequence change is unknown.